The following is an entry in ClinVar:

ClinVar aggregate classification (germline): Uncertain significance. Review status: criteria provided, multiple submitters, no conflicts (2 of 4 stars). 2 submissions from 2 submitters: Uncertain significance (2). Last evaluated 2024-12-29.

Conditions:
Baller-Gerold syndrome (BGS). Also called: CRANIOSYNOSTOSIS WITH RADIAL DEFECTS. Identifiers: Orphanet 1225, MedGen C0265308, MONDO:0009039, OMIM 218600.
Inborn genetic diseases. Identifiers: MedGen C0950123, MeSH D030342.

Allele frequency attached by ClinVar (database versions not stated): gnomAD exomes below 0.00001; ExAC 0.00001.

Submissions (2):

Ambry Genetics
Classification: Uncertain significance for Inborn genetic diseases. Last evaluated: 2024-12-29. Review status: criteria provided, single submitter. Criteria: Ambry Variant Classification Scheme 2023. Collection method: clinical testing. Allele origin: germline.
Comment: The p.P978L variant (also known as c.2933C>T), located in coding exon 17 of the RECQL4 gene, results from a C to T substitution at nucleotide position 2933. The proline at codon 978 is replaced by leucine, an amino acid with similar properties. This amino acid position is conserved. In addition, this alteration is predicted to be tolerated by in silico analysis. Based on the available evidence, the clinical significance of this variant remains unclear.

Labcorp Genetics (formerly Invitae), Labcorp
Classification: Uncertain significance for Baller-Gerold syndrome. Last evaluated: 2021-04-19. Review status: criteria provided, single submitter. Criteria: Invitae Variant Classification Sherloc (09022015). Collection method: clinical testing. Allele origin: germline.
Comment: Experimental studies and prediction algorithms are not available or were not evaluated, and the functional significance of this variant is currently unknown. In summary, the available evidence is currently insufficient to determine the role of this variant in disease. Therefore, it has been classified as a Variant of Uncertain Significance. This variant has not been reported in the literature in individuals with RECQL4-related conditions. This variant is present in population databases (rs746107365, ExAC 0.002%). This sequence change replaces proline with leucine at codon 978 of the RECQL4 protein (p.Pro978Leu). The proline residue is weakly conserved and there is a moderate physicochemical difference between proline and leucine.

NM_004260.4(RECQL4):c.2933C>T (p.Pro978Leu)

Gene: RECQL4 (RecQ like helicase 4; minus strand). Cytogenetic location: 8q24.3.
Variant type: single nucleotide variant.
Coding change: c.2933C>T on transcript NM_004260.4 (MANE Select); coding-DNA position 2933, C replaced by T.
Protein change: p.Pro978Leu; replaces proline 978 with leucine.
Molecular consequence: missense variant.
Genome position (GRCh38, 1-based): chr8:144,512,514, G>A on the plus strand (C>T on the coding strand, the complement: RECQL4 is on the minus strand). VCF-style: chr8-144512514-G-A. GRCh37 (hg19) VCF-style: chr8-145737897-G-A.
Other names: c.2933C>T (NM_004260.3); short protein forms P978L.
Identifiers: ClinVar variation 1399094 (VCV001399094.8), dbSNP rs746107365, ClinGen allele CA4947999.